The following is an entry in ClinVar:

ClinVar aggregate classification (germline): Uncertain significance (1 of 4 stars; one submission).

Conditions:
Cardiovascular phenotype. Identifiers: MedGen CN230736.

Allele frequency attached by ClinVar (database versions not stated): gnomAD exomes 0.00002.
gnomAD v4.1: 24 of 1,614,082 alleles (0.0015%); highest among the groups gnomAD compares: Non-Finnish European, 0.0019%; no homozygotes.

Submission:

Ambry Genetics
Classification: Uncertain significance for Cardiovascular phenotype. Last evaluated: 2025-11-02. Review status: criteria provided, single submitter. Criteria: Ambry Variant Classification Scheme 2023. Collection method: clinical testing. Allele origin: germline.
Comment: The p.G490R variant (also known as c.1468G>A), located in coding exon 13 of the CACNB2 gene, results from a G to A substitution at nucleotide position 1468. The glycine at codon 490 is replaced by arginine, an amino acid with dissimilar properties. This amino acid position is well conserved in available vertebrate species. In addition, the in silico prediction for this alteration is inconclusive. The evidence for this gene-disease relationship is limited; therefore, the clinical significance of this alteration is unclear.

NM_201596.3(CACNB2):c.1630G>A (p.Gly544Arg)

Gene: CACNB2 (calcium voltage-gated channel auxiliary subunit beta 2; plus strand). Cytogenetic location: 10p12.31.
Variant type: single nucleotide variant.
Coding change: c.1630G>A on transcript NM_201596.3 (MANE Select); coding-DNA position 1630, G replaced by A.
Protein change: p.Gly544Arg; replaces glycine 544 with arginine.
Molecular consequence: missense variant.
Genome position (GRCh38, 1-based): chr10:18,539,371, G>A. VCF-style: chr10-18539371-G-A. GRCh37 (hg19) VCF-style: chr10-18828300-G-A.
Other names: c.1465G>A, p.Gly489Arg (NM_000724.4); c.1432G>A, p.Gly478Arg (NM_001167945.2); c.1351G>A, p.Gly451Arg (NM_001330060.2); c.1372G>A, p.Gly458Arg (NM_001410882.1); c.1486G>A, p.Gly496Arg (NM_201570.3); c.1546G>A, p.Gly516Arg (NM_201571.4); c.1474G>A, p.Gly492Arg (NM_201572.4); c.1468G>A, p.Gly490Arg (NM_201590.3); and 2 more; short protein forms G489R, G492R, G544R, G451R, G458R, G520R, G478R, G490R.
Identifiers: ClinVar variation 2447829 (VCV002447829.3), dbSNP rs2053922748, ClinGen allele CA376071554.